The following is an entry in ClinVar:

NM_001363711.2(DUOX2):c.2560+2T>C

Gene: DUOX2 (dual oxidase 2; minus strand). Cytogenetic location: 15q21.1.
Variant type: single nucleotide variant.
Coding change: c.2560+2T>C on transcript NM_001363711.2 (MANE Select); the canonical splice donor site of the intron after coding-DNA position 2560, T replaced by C.
Molecular consequence: splice donor variant.
Genome position (GRCh38, 1-based): chr15:45,104,138, A>G on the plus strand (T>C on the coding strand, the complement: DUOX2 is on the minus strand). VCF-style: chr15-45104138-A-G. GRCh37 (hg19) VCF-style: chr15-45396336-A-G.
Other names: c.2560+2T>C (NM_014080.5, NM_014080.4).
Identifiers: ClinVar variation 3002001 (VCV003002001.5), dbSNP rs764013641, ClinGen allele CA270128105.
Genomic context (GRCh38, chr15:45,104,138, plus strand): 5'-GTCATCTCCTTGCTGAAAGACCCCTGGATTCTTGGATAGCCTGCCACCTCCCAGCCCCCT[A>G]CCTTTCATGAAGACCACCAGGATGTCCAGGAACTCTCGGAAGGACAGGTAGCCATTGCCA-3'

ClinVar aggregate classification (germline): Likely pathogenic. Review status: criteria provided, multiple submitters, no conflicts (2 of 4 stars). 3 submissions from 3 submitters: Likely pathogenic (3). Last evaluated 2025-04-18.

Conditions:
DUOX2-related disorder. Also called: DUOX2-related condition.
Thyroid dyshormonogenesis 6 (TDH6). Also called: Genetic transient congenital hypothyroidism; THYROID HORMONOGENESIS, GENETIC DEFECT IN, 6; HYPOTHYROIDISM, CONGENITAL, DUE TO DYSHORMONOGENESIS, 6. Identifiers: Orphanet 226316, Orphanet 95716, MedGen C1846632, MONDO:0011792, OMIM 607200.

Allele frequency attached by ClinVar (database versions not stated): TOPMed 0.00001.
gnomAD v4.1: 11 of 1,614,092 alleles (0.00068%); highest among the groups gnomAD compares: African/African-American, 0.0013%; no homozygotes.

Submissions (3):

PreventionGenetics, part of Exact Sciences
Classification: Likely pathogenic for DUOX2-related condition. Last evaluated: 2025-04-18. Review status: criteria provided, single submitter. Criteria: ACMG Guidelines, 2015. Collection method: clinical testing. Allele origin: germline.
Comment: The DUOX2 c.2560+2T>C variant is predicted to disrupt the GT donor site and interfere with normal splicing. To our knowledge, this variant has not been reported in the literature in individuals with DUOX2-related thyroid dyshormonogenesis. This variant is reported in 0.0065% of alleles in individuals of European (Non-Finnish) descent in gnomAD. Variants that disrupt the consensus splice donor site in DUOX2 are expected to be pathogenic. This variant is interpreted as likely pathogenic.

Fulgent Genetics
Classification: Likely pathogenic for Thyroid dyshormonogenesis 6. Last evaluated: 2024-04-01. Review status: criteria provided, single submitter. Criteria: ACMG Guidelines, 2015. Collection method: clinical testing. Allele origin: germline.

Labcorp Genetics (formerly Invitae), Labcorp
Classification: Likely pathogenic. Last evaluated: 2023-11-14. Review status: criteria provided, single submitter. Criteria: Invitae Variant Classification Sherloc (09022015). Collection method: clinical testing. Allele origin: germline.
Comment: This sequence change affects a donor splice site in intron 19 of the DUOX2 gene. It is expected to disrupt RNA splicing. Variants that disrupt the donor or acceptor splice site typically lead to a loss of protein function (PMID: 16199547), and loss-of-function variants in DUOX2 are known to be pathogenic (PMID: 12110737, 18765513, 21565790, 24423310, 24735383). This variant is present in population databases (rs764013641, gnomAD 0.007%). This variant has not been reported in the literature in individuals affected with DUOX2-related conditions. Algorithms developed to predict the effect of sequence changes on RNA splicing suggest that this variant may disrupt the consensus splice site. In summary, the currently available evidence indicates that the variant is pathogenic, but additional data are needed to prove that conclusively. Therefore, this variant has been classified as Likely Pathogenic.

Literature cited by the submitters: PubMed 16199547 (cited by Labcorp Genetics (formerly Invitae), Labcorp); PubMed 12110737 (cited by Labcorp Genetics (formerly Invitae), Labcorp); PubMed 18765513 (cited by Labcorp Genetics (formerly Invitae), Labcorp); PubMed 21565790 (cited by Labcorp Genetics (formerly Invitae), Labcorp); PubMed 24423310 (cited by Labcorp Genetics (formerly Invitae), Labcorp); PubMed 24735383 (cited by Labcorp Genetics (formerly Invitae), Labcorp).